The following continues an entry in ClinVar:

NM_004281.4(BAG3):c.212G>A (p.Arg71Gln)

Gene: BAG3. ClinVar aggregate classification (germline): Benign/Likely benign. Benign (14); Likely benign (3).

Submissions 63 to 99 of 123:

Dr. Peter K. Rogan Lab, Western University
No classification provided (evidence only). Condition: Colon adenocarcinoma. Review status: no classification provided. Collection method: in vitro. Allele origin: not applicable. Functional consequence: retained intron. Not counted in ClinVar's aggregate classification.

Dr. Peter K. Rogan Lab, Western University
No classification provided (evidence only). Condition: Colon adenocarcinoma. Review status: no classification provided. Collection method: in vitro. Allele origin: not applicable. Functional consequence: retained intron. Not counted in ClinVar's aggregate classification.

Dr. Peter K. Rogan Lab, Western University
No classification provided (evidence only). Condition: Colorectal cancer. Review status: no classification provided. Collection method: in vitro. Allele origin: not applicable. Functional consequence: retained intron. Not counted in ClinVar's aggregate classification.

Dr. Peter K. Rogan Lab, Western University
No classification provided (evidence only). Condition: Colorectal cancer. Review status: no classification provided. Collection method: in vitro. Allele origin: not applicable. Functional consequence: retained intron. Not counted in ClinVar's aggregate classification.

Dr. Peter K. Rogan Lab, Western University
No classification provided (evidence only). Condition: Colorectal cancer. Review status: no classification provided. Collection method: in vitro. Allele origin: not applicable. Functional consequence: retained intron. Not counted in ClinVar's aggregate classification.

Dr. Peter K. Rogan Lab, Western University
No classification provided (evidence only). Condition: Colorectal cancer. Review status: no classification provided. Collection method: in vitro. Allele origin: not applicable. Functional consequence: retained intron. Not counted in ClinVar's aggregate classification.

Dr. Peter K. Rogan Lab, Western University
No classification provided (evidence only). Condition: Colorectal cancer. Review status: no classification provided. Collection method: in vitro. Allele origin: not applicable. Functional consequence: retained intron. Not counted in ClinVar's aggregate classification.

Dr. Peter K. Rogan Lab, Western University
No classification provided (evidence only). Condition: Colorectal cancer. Review status: no classification provided. Collection method: in vitro. Allele origin: not applicable. Functional consequence: skipped exon, retained intron. Not counted in ClinVar's aggregate classification.

Dr. Peter K. Rogan Lab, Western University
No classification provided (evidence only). Condition: Colorectal cancer. Review status: no classification provided. Collection method: in vitro. Allele origin: not applicable. Functional consequence: retained intron. Not counted in ClinVar's aggregate classification.

Dr. Peter K. Rogan Lab, Western University
No classification provided (evidence only). Condition: Uterine corpus endometrial carcinoma. Review status: no classification provided. Collection method: in vitro. Allele origin: not applicable. Functional consequence: retained intron. Not counted in ClinVar's aggregate classification.

Dr. Peter K. Rogan Lab, Western University
No classification provided (evidence only). Condition: Uterine corpus endometrial carcinoma. Review status: no classification provided. Collection method: in vitro. Allele origin: not applicable. Functional consequence: retained intron. Not counted in ClinVar's aggregate classification.

Dr. Peter K. Rogan Lab, Western University
No classification provided (evidence only). Condition: Uterine corpus endometrial carcinoma. Review status: no classification provided. Collection method: in vitro. Allele origin: not applicable. Functional consequence: retained intron. Not counted in ClinVar's aggregate classification.

Dr. Peter K. Rogan Lab, Western University
No classification provided (evidence only). Condition: Uterine corpus endometrial carcinoma. Review status: no classification provided. Collection method: in vitro. Allele origin: not applicable. Functional consequence: retained intron. Not counted in ClinVar's aggregate classification.

Dr. Peter K. Rogan Lab, Western University
No classification provided (evidence only). Condition: Uterine corpus endometrial carcinoma. Review status: no classification provided. Collection method: in vitro. Allele origin: not applicable. Functional consequence: retained intron. Not counted in ClinVar's aggregate classification.

Dr. Peter K. Rogan Lab, Western University
No classification provided (evidence only). Condition: Uterine corpus endometrial carcinoma. Review status: no classification provided. Collection method: in vitro. Allele origin: not applicable. Functional consequence: retained intron. Not counted in ClinVar's aggregate classification.

Dr. Peter K. Rogan Lab, Western University
No classification provided (evidence only). Condition: Uterine corpus endometrial carcinoma. Review status: no classification provided. Collection method: in vitro. Allele origin: not applicable. Functional consequence: skipped exon, retained intron. Not counted in ClinVar's aggregate classification.

Dr. Peter K. Rogan Lab, Western University
No classification provided (evidence only). Condition: Cervical cancer. Review status: no classification provided. Collection method: in vitro. Allele origin: not applicable. Functional consequence: retained intron. Not counted in ClinVar's aggregate classification.

Dr. Peter K. Rogan Lab, Western University
No classification provided (evidence only). Condition: Cervical cancer. Review status: no classification provided. Collection method: in vitro. Allele origin: not applicable. Functional consequence: retained intron. Not counted in ClinVar's aggregate classification.

Dr. Peter K. Rogan Lab, Western University
No classification provided (evidence only). Condition: Cervical cancer. Review status: no classification provided. Collection method: in vitro. Allele origin: not applicable. Functional consequence: retained intron. Not counted in ClinVar's aggregate classification.

Dr. Peter K. Rogan Lab, Western University
No classification provided (evidence only). Condition: Sarcoma. Review status: no classification provided. Collection method: in vitro. Allele origin: not applicable. Functional consequence: retained intron. Not counted in ClinVar's aggregate classification.

Dr. Peter K. Rogan Lab, Western University
No classification provided (evidence only). Condition: Sarcoma. Review status: no classification provided. Collection method: in vitro. Allele origin: not applicable. Functional consequence: retained intron. Not counted in ClinVar's aggregate classification.

Dr. Peter K. Rogan Lab, Western University
No classification provided (evidence only). Condition: Sarcoma. Review status: no classification provided. Collection method: in vitro. Allele origin: not applicable. Functional consequence: skipped exon. Not counted in ClinVar's aggregate classification.

Dr. Peter K. Rogan Lab, Western University
No classification provided (evidence only). Condition: Sarcoma. Review status: no classification provided. Collection method: in vitro. Allele origin: not applicable. Functional consequence: skipped exon, retained intron. Not counted in ClinVar's aggregate classification.

Dr. Peter K. Rogan Lab, Western University
No classification provided (evidence only). Condition: Sarcoma. Review status: no classification provided. Collection method: in vitro. Allele origin: not applicable. Functional consequence: retained intron. Not counted in ClinVar's aggregate classification.

Dr. Peter K. Rogan Lab, Western University
No classification provided (evidence only). Condition: Sarcoma. Review status: no classification provided. Collection method: in vitro. Allele origin: not applicable. Functional consequence: retained intron. Not counted in ClinVar's aggregate classification.

Dr. Peter K. Rogan Lab, Western University
No classification provided (evidence only). Condition: Sarcoma. Review status: no classification provided. Collection method: in vitro. Allele origin: not applicable. Functional consequence: retained intron. Not counted in ClinVar's aggregate classification.

Dr. Peter K. Rogan Lab, Western University
No classification provided (evidence only). Condition: Sarcoma. Review status: no classification provided. Collection method: in vitro. Allele origin: not applicable. Functional consequence: retained intron. Not counted in ClinVar's aggregate classification.

Dr. Peter K. Rogan Lab, Western University
No classification provided (evidence only). Condition: Sarcoma. Review status: no classification provided. Collection method: in vitro. Allele origin: not applicable. Functional consequence: retained intron. Not counted in ClinVar's aggregate classification.

Dr. Peter K. Rogan Lab, Western University
No classification provided (evidence only). Condition: Hepatocellular carcinoma. Review status: no classification provided. Collection method: in vitro. Allele origin: not applicable. Functional consequence: retained intron. Not counted in ClinVar's aggregate classification.

Dr. Peter K. Rogan Lab, Western University
No classification provided (evidence only). Condition: Hepatocellular carcinoma. Review status: no classification provided. Collection method: in vitro. Allele origin: not applicable. Functional consequence: retained intron. Not counted in ClinVar's aggregate classification.

Dr. Peter K. Rogan Lab, Western University
No classification provided (evidence only). Condition: Hepatocellular carcinoma. Review status: no classification provided. Collection method: in vitro. Allele origin: not applicable. Functional consequence: retained intron. Not counted in ClinVar's aggregate classification.

Dr. Peter K. Rogan Lab, Western University
No classification provided (evidence only). Condition: Hepatocellular carcinoma. Review status: no classification provided. Collection method: in vitro. Allele origin: not applicable. Functional consequence: retained intron. Not counted in ClinVar's aggregate classification.

Dr. Peter K. Rogan Lab, Western University
No classification provided (evidence only). Condition: Hepatocellular carcinoma. Review status: no classification provided. Collection method: in vitro. Allele origin: not applicable. Functional consequence: skipped exon, retained intron. Not counted in ClinVar's aggregate classification.

Dr. Peter K. Rogan Lab, Western University
No classification provided (evidence only). Condition: Hepatocellular carcinoma. Review status: no classification provided. Collection method: in vitro. Allele origin: not applicable. Functional consequence: retained intron. Not counted in ClinVar's aggregate classification.

Dr. Peter K. Rogan Lab, Western University
No classification provided (evidence only). Condition: Hepatocellular carcinoma. Review status: no classification provided. Collection method: in vitro. Allele origin: not applicable. Functional consequence: retained intron. Not counted in ClinVar's aggregate classification.

Dr. Peter K. Rogan Lab, Western University
No classification provided (evidence only). Condition: Hepatocellular carcinoma. Review status: no classification provided. Collection method: in vitro. Allele origin: not applicable. Functional consequence: retained intron. Not counted in ClinVar's aggregate classification.

Dr. Peter K. Rogan Lab, Western University
No classification provided (evidence only). Condition: Hepatocellular carcinoma. Review status: no classification provided. Collection method: in vitro. Allele origin: not applicable. Functional consequence: retained intron. Not counted in ClinVar's aggregate classification.